The following is an entry in ClinVar:

NM_194250.2(ZNF804A):c.532A>G (p.Lys178Glu)

Gene: ZNF804A (zinc finger protein 804A; plus strand). Cytogenetic location: 2q32.1.
Variant type: single nucleotide variant.
Coding change: c.532A>G on transcript NM_194250.2 (MANE Select); coding-DNA position 532, A replaced by G.
Protein change: p.Lys178Glu; replaces lysine 178 with glutamic acid.
Molecular consequence: missense variant.
Genome position (GRCh38, 1-based): chr2:184,935,928, A>G. VCF-style: chr2-184935928-A-G. GRCh37 (hg19) VCF-style: chr2-185800655-A-G.
Other names: short protein forms K178E.
Identifiers: ClinVar variation 3039335 (VCV003039335.2), dbSNP rs201799996, ClinGen allele CA2015802.

ClinVar aggregate classification (germline): Likely benign (0 of 4 stars; one submission).

Conditions:
ZNF804A-related disorder. Also called: ZNF804A-related condition.

Allele frequency attached by ClinVar (database versions not stated): TOPMed 0.00003; ESP Exome Variant Server 0.00008; gnomAD exomes 0.00018; ExAC 0.00029; gnomAD 0.00044.
gnomAD v4.1: 319 of 1,613,850 alleles (0.02%); highest among the groups gnomAD compares: South Asian, 0.0099%; 1 homozygote.

Submission:

PreventionGenetics, part of Exact Sciences
Classification: Likely benign for ZNF804A-related condition. Last evaluated: 2019-05-24. Review status: no assertion criteria provided. Collection method: clinical testing. Allele origin: germline.
Comment: This variant is classified as likely benign based on ACMG/AMP sequence variant interpretation guidelines (Richards et al. 2015 PMID: 25741868, with internal and published modifications).